The following is an entry in ClinVar:

NM_018474.6(KIZ):c.32T>A (p.Leu11Gln)

Genes: KIZ (kizuna centrosomal protein; plus strand), LOC130065507 (ATAC-STARR-seq lymphoblastoid silent region 12713; plus strand). Cytogenetic location: 20p11.23.
Variant type: single nucleotide variant.
Coding change: c.32T>A on transcript NM_018474.6 (MANE Select); coding-DNA position 32, T replaced by A.
Protein change: p.Leu11Gln; replaces leucine 11 with glutamine.
Molecular consequence: missense variant. On other transcripts: 5 prime UTR variant (4), synonymous variant (1).
Genome position (GRCh38, 1-based): chr20:21,126,147, T>A. VCF-style: chr20-21126147-T-A. GRCh37 (hg19) VCF-style: chr20-21106788-T-A.
Other names: c.-115T>A (NM_001163022.3, NM_001163023.3, NM_001352435.2); c.111T>A, p.Pro37= (NM_001276389.2); c.32T>A, p.Leu11Gln (NM_001352434.2); c.-355T>A (NM_001352436.2); short protein forms L11Q.
Identifiers: ClinVar variation 1945467 (VCV001945467.5), dbSNP rs2519555864, ClinGen allele CA408488141.

ClinVar aggregate classification (germline): Uncertain significance (1 of 4 stars; one submission).

Allele frequency attached by ClinVar (database versions not stated): gnomAD exomes below 0.00001.
gnomAD v4.1: 2 of 1,513,784 alleles (0.00013%); highest among the groups gnomAD compares: Non-Finnish European, 0.00018%; no homozygotes.

Submission:

Labcorp Genetics (formerly Invitae), Labcorp
Classification: Uncertain significance. Last evaluated: 2022-05-25. Review status: criteria provided, single submitter. Criteria: Invitae Variant Classification Sherloc (09022015). Collection method: clinical testing. Allele origin: germline.
Comment: In summary, the available evidence is currently insufficient to determine the role of this variant in disease. Therefore, it has been classified as a Variant of Uncertain Significance. Experimental studies and prediction algorithms are not available or were not evaluated, and the functional significance of this variant is currently unknown. This variant has not been reported in the literature in individuals affected with KIZ-related conditions. This variant is not present in population databases (gnomAD no frequency). This sequence change replaces leucine, which is neutral and non-polar, with glutamine, which is neutral and polar, at codon 11 of the KIZ protein (p.Leu11Gln).